The following is an entry in ClinVar:

NM_001105247.2(ARMC5):c.288C>G (p.Ala96=)

Genes: ARMC5 (armadillo repeat containing 5; plus strand), LOC130058906 (ATAC-STARR-seq lymphoblastoid silent region 7419; plus strand). Cytogenetic location: 16p11.2.
Variant type: single nucleotide variant.
Coding change: c.288C>G on transcript NM_001105247.2 (MANE Select); coding-DNA position 288, C replaced by G.
Protein change: p.Ala96=; no amino-acid change (alanine 96 retained).
Molecular consequence: synonymous variant.
Genome position (GRCh38, 1-based): chr16:31,459,812, C>G. VCF-style: chr16-31459812-C-G. GRCh37 (hg19) VCF-style: chr16-31471133-C-G.
Other names: c.573C>G, p.Ala191= (NM_001288767.2); c.384C>G, p.Ala128= (NM_001301820.1); c.288C>G, p.Ala96= (NM_024742.2); c.573C>G (NM_001288767.1).
Identifiers: ClinVar variation 732497 (VCV000732497.7), dbSNP rs562540127, ClinGen allele CA8029397.

ClinVar aggregate classification (germline): Likely benign. Review status: criteria provided, multiple submitters, no conflicts (2 of 4 stars). 3 submissions from 3 submitters: Likely benign (2). 1 of the submissions does not count toward it. Last evaluated 2019-12-31.

Conditions:
ARMC5-related disorder. Also called: ARMC5-related condition.

Allele frequency attached by ClinVar (database versions not stated): 1000 Genomes Project 0.00020; gnomAD 0.00035; gnomAD exomes 0.00035; TOPMed 0.00037; ExAC 0.00078.
gnomAD v4.1: 597 of 1,543,960 alleles (0.039%); highest among the groups gnomAD compares: Non-Finnish European, 0.044%; no homozygotes.

Submissions (3):

Labcorp Genetics (formerly Invitae), Labcorp
Classification: Likely benign. Last evaluated: 2019-12-31. Review status: criteria provided, single submitter. Criteria: Invitae Variant Classification Sherloc (09022015). Collection method: clinical testing. Allele origin: germline.

Breakthrough Genomics
Classification: Likely benign. Review status: criteria provided, single submitter. Criteria: ACMG Guidelines, 2015. Collection method: not provided. Allele origin: germline. Inheritance: Autosomal dominant inheritance. Affected: yes.

PreventionGenetics, part of Exact Sciences
Classification: Likely benign for ARMC5-related condition. Last evaluated: 2024-01-05. Review status: no assertion criteria provided. Collection method: clinical testing. Allele origin: germline. Not counted in ClinVar's aggregate classification.
Comment: This variant is classified as likely benign based on ACMG/AMP sequence variant interpretation guidelines (Richards et al. 2015 PMID: 25741868, with internal and published modifications).